The following is an entry in ClinVar:

NM_152564.5(VPS13B):c.4618C>T (p.Gln1540Ter)

Gene: VPS13B (vacuolar protein sorting 13 homolog B; plus strand). Cytogenetic location: 8q22.2.
Variant type: single nucleotide variant.
Coding change: c.4618C>T on transcript NM_152564.5 (MANE Select); coding-DNA position 4618, C replaced by T.
Protein change: p.Gln1540Ter; replaces glutamine 1540 with a stop codon.
Molecular consequence: nonsense.
Genome position (GRCh38, 1-based): chr8:99,511,497, C>T. VCF-style: chr8-99511497-C-T. GRCh37 (hg19) VCF-style: chr8-100523725-C-T.
Other names: c.4693C>T, p.Gln1565Ter (NM_017890.5); short protein forms Q1540*, Q1565*.
Identifiers: ClinVar variation 3645187 (VCV003645187.2).

ClinVar aggregate classification (germline): Pathogenic (1 of 4 stars; one submission).

Conditions:
Cohen syndrome (COH1). Also called: PEPPER SYNDROME; Cutis verticis gyrata, retinitis pigmentosa, and sensorineural deafness. Identifiers: Orphanet 193, MedGen C0265223, MONDO:0008999, OMIM 216550.

Submission:

Labcorp Genetics (formerly Invitae), Labcorp
Classification: Pathogenic for Cohen syndrome. Last evaluated: 2024-03-09. Review status: criteria provided, single submitter. Criteria: Invitae Variant Classification Sherloc (09022015). Collection method: clinical testing. Allele origin: germline.
Comment: This sequence change creates a premature translational stop signal (p.Gln1565*) in the VPS13B gene. It is expected to result in an absent or disrupted protein product. Loss-of-function variants in VPS13B are known to be pathogenic (PMID: 15141358, 16648375, 20461111). This variant is not present in population databases (gnomAD no frequency). This variant has not been reported in the literature in individuals affected with VPS13B-related conditions. For these reasons, this variant has been classified as Pathogenic.

Literature cited by the submitters: PubMed 15141358; PubMed 16648375; PubMed 20461111.